The following is an entry in ClinVar:

ClinVar aggregate classification (germline): Pathogenic (1 of 4 stars; one submission).

Conditions:
Hypohidrotic X-linked ectodermal dysplasia (XHED). Also called: ECTODERMAL DYSPLASIA 1; ECTODERMAL DYSPLASIA 1, HYPOHIDROTIC, X-LINKED; ECTODERMAL DYSPLASIA 1, HYPOHIDROTIC/HAIR/TOOTH TYPE, X-LINKED; Christ-Siemans-Touraine syndrome; Anhidrotic ectodermal dysplasia X-linked; Christ Siemens Touraine syndrome. Identifiers: Orphanet 181, Orphanet 238468, MedGen C0162359, MONDO:0010585, OMIM 305100.

Submission:

Labcorp Genetics (formerly Invitae), Labcorp
Classification: Pathogenic for Hypohidrotic X-linked ectodermal dysplasia. Last evaluated: 2020-10-12. Review status: criteria provided, single submitter. Criteria: Invitae Variant Classification Sherloc (09022015). Collection method: clinical testing. Allele origin: germline.
Comment: For these reasons, this variant has been classified as Pathogenic. Loss-of-function variants in EDA are known to be pathogenic (PMID: 9683615). This variant has not been reported in the literature in individuals with EDA-related conditions. This variant is not present in population databases (ExAC no frequency). This sequence change creates a premature translational stop signal (p.Ile205Thrfs*6) in the EDA gene. It is expected to result in an absent or disrupted protein product.

Literature cited by the submitters: PubMed 9683615.

NM_001399.5(EDA):c.614_699del (p.Ile205fs)

Gene: EDA (ectodysplasin A; plus strand). Cytogenetic location: Xq13.1.
Variant type: Deletion.
Coding change: c.614_699del on transcript NM_001399.5 (MANE Select); coding-DNA positions 614 to 699, 86 bases deleted.
Protein change: p.Ile205fs; shifts the reading frame from isoleucine 205.
Molecular consequence: frameshift variant.
Genome position (GRCh38, 1-based): chrX:70,027,944-70,028,029, 86 bases deleted. GRCh37 (hg19): chrX:69,247,794-69,247,879.
Other names: c.614_699del, p.Ile205fs (NM_001005609.2, NM_001005612.3); short protein forms I205fs.
Identifiers: ClinVar variation 1071684 (VCV001071684.7), dbSNP rs2147509775, ClinGen allele CA2499226813.